The following is an entry in ClinVar:

NM_201384.3(PLEC):c.6318G>A (p.Gln2106=)

Gene: PLEC (plectin; minus strand). Cytogenetic location: 8q24.3.
Variant type: single nucleotide variant.
Coding change: c.6318G>A on transcript NM_201384.3 (MANE Select); coding-DNA position 6318, G replaced by A.
Protein change: p.Gln2106=; no amino-acid change (glutamine 2106 retained).
Molecular consequence: synonymous variant.
Genome position (GRCh38, 1-based): chr8:143,923,611, C>T on the plus strand (G>A on the coding strand, the complement: PLEC is on the minus strand). VCF-style: chr8-143923611-C-T. GRCh37 (hg19) VCF-style: chr8-144997779-C-T.
Other names: c.6399G>A, p.Gln2133= (NM_000445.5); c.6276G>A, p.Gln2092= (NM_201378.4); c.6252G>A, p.Gln2084= (NM_201379.3); c.6729G>A, p.Gln2243= (NM_201380.4); c.6222G>A, p.Gln2074= (NM_201381.3); c.6318G>A, p.Gln2106= (NM_201382.4); c.6330G>A, p.Gln2110= (NM_201383.3).
Identifiers: ClinVar variation 285336 (VCV000285336.44), dbSNP rs556328818, ClinGen allele CA4926042.

ClinVar aggregate classification (germline): Benign/Likely benign. Review status: criteria provided, multiple submitters, no conflicts (2 of 4 stars). 5 submissions from 5 submitters: Benign (1); Likely benign (4). Last evaluated 2026-07-01.

Conditions:
PLEC-related disorder. Also called: PLEC-related condition; PLEC-related disorders.
Epidermolysis bullosa simplex with nail dystrophy (EBS5D). Identifiers: MedGen C4225309, MONDO:0014661, OMIM 616487.
Epidermolysis bullosa simplex 5C, with pyloric atresia (EBS5C). Also called: PLEC-Related Epidermolysis Bullosa with Pyloric Atresia; PLEC1-Related Epidermolysis Bullosa with Pyloric Atresia; Epidermolysis bullosa simplex with pyloric atresia. Identifiers: Orphanet 158684, MedGen C2677349, MONDO:0012807, OMIM 612138.
Autosomal recessive limb-girdle muscular dystrophy type 2Q (LGMDR17). Also called: MUSCULAR DYSTROPHY, LIMB-GIRDLE, AUTOSOMAL RECESSIVE 17. Identifiers: Orphanet 254361, MedGen C3150989, MONDO:0013390, OMIM 613723.
Epidermolysis bullosa simplex, Ogna type (EBS5A). Also called: Pidermolysis bullosa simplex 5A, Ogna type; EPIDERMOLYSIS BULLOSA SIMPLEX 5A, OGNA TYPE. Identifiers: Orphanet 79401, MedGen C0432317, MONDO:0007555, OMIM 131950.
Epidermolysis bullosa simplex 5B, with muscular dystrophy (EBS5B). Also called: EPIDERMOLYSIS BULLOSA SIMPLEX AND LIMB-GIRDLE MUSCULAR DYSTROPHY; Epidermolysis bullosa simplex with muscular dystrophy. Identifiers: Orphanet 257, MedGen C2931072, MONDO:0009181, OMIM 226670.

Allele frequency attached by ClinVar (database versions not stated): gnomAD below 0.00001 and 0.00030; TOPMed 0.00006; gnomAD exomes 0.00042 and 0.00091; ExAC 0.00134; 1000 Genomes Project 30x 0.00219; 1000 Genomes Project 0.00220.
gnomAD v4.1: 658 of 1,592,810 alleles (0.041%); highest among the groups gnomAD compares: South Asian, 0.69%; 12 homozygotes.

Submissions (5):

CeGaT Center for Human Genetics Tuebingen
Classification: Likely benign. Last evaluated: 2026-07-01. Review status: criteria provided, single submitter. Criteria: CeGaT Center For Human Genetics Tuebingen Variant Classification Criteria Version 2. Collection method: clinical testing. Allele origin: germline. Affected: yes. Observed: 2 variant alleles.
Comment: PLEC: BP4, BP7

Labcorp Genetics (formerly Invitae), Labcorp
Classification: Benign for Autosomal recessive limb-girdle muscular dystrophy type 2Q; Epidermolysis bullosa simplex, Ogna type; Epidermolysis bullosa simplex with nail dystrophy; Epidermolysis bullosa simplex 5C, with pyloric atresia; Epidermolysis bullosa simplex 5B, with muscular dystrophy. Last evaluated: 2025-12-18. Review status: criteria provided, single submitter. Criteria: Invitae Variant Classification Sherloc (09022015). Collection method: clinical testing. Allele origin: germline.

PreventionGenetics, part of Exact Sciences
Classification: Likely benign for PLEC-related condition. Last evaluated: 2024-12-19. Review status: criteria provided, single submitter. Criteria: ACMG Guidelines, 2015. Collection method: clinical testing. Allele origin: germline.
Comment: This variant is classified as likely benign based on ACMG/AMP sequence variant interpretation guidelines (Richards et al. 2015 PMID: 25741868, with internal and published modifications).

Blueprint Genetics
Classification: Likely benign. Last evaluated: 2024-10-23. Review status: criteria provided, single submitter. Criteria: ACMG Guidelines, 2015. Collection method: clinical testing. Allele origin: germline.

Eurofins Ntd Llc (ga)
Classification: Likely benign. Last evaluated: 2016-09-12. Review status: criteria provided, single submitter. Criteria: EGL Classification Definitions 2015. Collection method: clinical testing. Allele origin: germline. Observed: 3 variant alleles, 3 heterozygotes.